The following is an entry in ClinVar:

NM_001242896.3(DEPDC5):c.3367G>A (p.Gly1123Ser)

Gene: DEPDC5 (DEP domain containing 5, GATOR1 subcomplex subunit; plus strand). Cytogenetic location: 22q12.3.
Variant type: single nucleotide variant.
Coding change: c.3367G>A on transcript NM_001242896.3 (MANE Select); coding-DNA position 3367, G replaced by A.
Protein change: p.Gly1123Ser; replaces glycine 1123 with serine.
Molecular consequence: missense variant. On other transcripts: non-coding transcript variant (5).
Genome position (GRCh38, 1-based): chr22:31,870,626, G>A. VCF-style: chr22-31870626-G-A. GRCh37 (hg19) VCF-style: chr22-32266612-G-A.
Other names: c.3274G>A, p.Gly1092Ser (NM_014662.6, NM_001369903.1); c.3340G>A, p.Gly1114Ser (NM_001136029.4); c.3067G>A, p.Gly1023Ser (NM_001242897.2); c.3301G>A, p.Gly1101Ser (NM_001363852.2, NM_001364320.2); c.3133G>A, p.Gly1045Ser (NM_001363854.2, NM_001364319.2); c.3367G>A, p.Gly1123Ser (NM_001364318.2); c.3283G>A, p.Gly1095Ser (NM_001369901.1, NM_001369902.1); short protein forms G1095S, G1101S, G1092S, G1114S, G1023S, G1045S, G1123S.
Identifiers: ClinVar variation 1413745 (VCV001413745.7), dbSNP rs752667037, ClinGen allele CA10196971.

ClinVar aggregate classification (germline): Conflicting classifications of pathogenicity. Review status: criteria provided, conflicting classifications (1 of 4 stars). 2 submissions from 2 submitters: Uncertain significance (1); Likely benign (1). Last evaluated 2026-07-01.

Conditions:
Familial focal epilepsy with variable foci (FPEVF). Identifiers: Orphanet 98820, MedGen C1858477, MONDO:0020310.

Allele frequency attached by ClinVar (database versions not stated): ExAC 0.00001; gnomAD 0.00001; gnomAD exomes 0.00001; TOPMed 0.00002.
gnomAD v4.1: 14 of 1,584,650 alleles (0.00088%); highest among the groups gnomAD compares: Middle Eastern, 0.017%; no homozygotes.

Submissions (2):

CeGaT Center for Human Genetics Tuebingen
Classification: Likely benign. Last evaluated: 2026-07-01. Review status: criteria provided, single submitter. Criteria: CeGaT Center For Human Genetics Tuebingen Variant Classification Criteria Version 2. Collection method: clinical testing. Allele origin: germline. Affected: yes. Observed: 1 variant allele.
Comment: DEPDC5: BP4

Labcorp Genetics (formerly Invitae), Labcorp
Classification: Uncertain significance for Familial focal epilepsy with variable foci. Last evaluated: 2024-10-15. Review status: criteria provided, single submitter. Criteria: Invitae Variant Classification Sherloc (09022015). Collection method: clinical testing. Allele origin: germline.
Comment: This sequence change replaces glycine, which is neutral and non-polar, with serine, which is neutral and polar, at codon 1123 of the DEPDC5 protein (p.Gly1123Ser). The frequency data for this variant in the population databases is considered unreliable, as metrics indicate poor data quality at this position in the gnomAD database. This variant has not been reported in the literature in individuals affected with DEPDC5-related conditions. ClinVar contains an entry for this variant (Variation ID: 1413745). An algorithm developed to predict the effect of missense changes on protein structure and function outputs the following: PolyPhen-2: "Not Available". The serine amino acid residue is found in multiple mammalian species, which suggests that this missense change does not adversely affect protein function. In summary, the available evidence is currently insufficient to determine the role of this variant in disease. Therefore, it has been classified as a Variant of Uncertain Significance.